The following is an entry in ClinVar:

NM_001855.5(COL15A1):c.2951G>C (p.Gly984Ala)

Gene: COL15A1 (collagen type XV alpha 1 chain; plus strand). Cytogenetic location: 9q22.33.
Variant type: single nucleotide variant.
Coding change: c.2951G>C on transcript NM_001855.5 (MANE Select); coding-DNA position 2951, G replaced by C.
Protein change: p.Gly984Ala; replaces glycine 984 with alanine.
Molecular consequence: missense variant.
Genome position (GRCh38, 1-based): chr9:99,054,576, G>C. VCF-style: chr9-99054576-G-C. GRCh37 (hg19) VCF-style: chr9-101816858-G-C.
Other names: NC_000009.11:g.101816858G>C; short protein forms G984A.
Identifiers: ClinVar variation 3047570 (VCV003047570.3), dbSNP rs140851301, ClinGen allele CA5155699.

ClinVar aggregate classification (germline): Likely benign (0 of 4 stars; one submission).

Conditions:
COL15A1-related disorder. Also called: COL15A1-related condition.

Allele frequency attached by ClinVar (database versions not stated): ESP Exome Variant Server 0.00023; 1000 Genomes Project 30x 0.00062; 1000 Genomes Project 0.00080.
gnomAD v4.1: 499 of 1,610,152 alleles (0.031%); highest among the groups gnomAD compares: South Asian, 0.24%; 1 homozygote.

Submissions (5):

PreventionGenetics, part of Exact Sciences
Classification: Likely benign for COL15A1-related condition. Last evaluated: 2022-03-30. Review status: no assertion criteria provided. Collection method: clinical testing. Allele origin: germline.
Comment: This variant is classified as likely benign based on ACMG/AMP sequence variant interpretation guidelines (Richards et al. 2015 PMID: 25741868, with internal and published modifications).

Dr. Peter K. Rogan Lab, Western University
No classification provided (evidence only). Condition: Clear cell carcinoma of kidney. Review status: no classification provided. Collection method: in vitro. Allele origin: not applicable. Functional consequence: skipped exon, retained intron. Not counted in ClinVar's aggregate classification.

Dr. Peter K. Rogan Lab, Western University
No classification provided (evidence only). Condition: Familial cancer of breast. Review status: no classification provided. Collection method: in vitro. Allele origin: not applicable. Functional consequence: skipped exon, retained intron. Not counted in ClinVar's aggregate classification.

Dr. Peter K. Rogan Lab, Western University
No classification provided (evidence only). Condition: Thyroid cancer, nonmedullary, 1. Review status: no classification provided. Collection method: in vitro. Allele origin: not applicable. Functional consequence: skipped exon, retained intron. Not counted in ClinVar's aggregate classification.

Dr. Peter K. Rogan Lab, Western University
No classification provided (evidence only). Condition: Thyroid cancer, nonmedullary, 1. Review status: no classification provided. Collection method: in vitro. Allele origin: not applicable. Functional consequence: skipped exon. Not counted in ClinVar's aggregate classification.